The following is an entry in ClinVar:

ClinVar aggregate classification (germline): Uncertain significance (1 of 4 stars; one submission).

Conditions:
Inborn genetic diseases. Identifiers: MedGen C0950123, MeSH D030342.

Submission:

Ambry Genetics
Classification: Uncertain significance for Inborn genetic diseases. Last evaluated: 2026-08-11. Review status: criteria provided, single submitter. Criteria: Ambry Variant Classification Scheme 2023. Collection method: clinical testing. Allele origin: germline.
Comment: The p.A85P variant (also known as c.253G>C), located in coding exon 4 of the RECQL4 gene, results from a G to C substitution at nucleotide position 253. The alanine at codon 85 is replaced by proline, an amino acid with highly similar properties. This amino acid position is conserved. In addition, the in silico prediction for this alteration is inconclusive. Based on the available evidence, the clinical significance of this variant remains unclear.

NM_004260.4(RECQL4):c.253G>C (p.Ala85Pro)

Gene: RECQL4 (RecQ like helicase 4; minus strand). Cytogenetic location: 8q24.3.
Variant type: single nucleotide variant.
Coding change: c.253G>C on transcript NM_004260.4 (MANE Select); coding-DNA position 253, G replaced by C.
Protein change: p.Ala85Pro; replaces alanine 85 with proline.
Molecular consequence: missense variant. On other transcripts: 5 prime UTR variant (17), non-coding transcript variant (3).
Genome position (GRCh38, 1-based): chr8:144,517,151, C>G on the plus strand (G>C on the coding strand, the complement: RECQL4 is on the minus strand). VCF-style: chr8-144517151-C-G. GRCh37 (hg19) VCF-style: chr8-145742535-C-G.
Other names: c.253G>C, p.Ala85Pro (NM_001413017.1, NM_001413018.1, NM_001413019.1 and 5 more transcripts); c.-468G>C (NM_001413021.1); c.-819G>C (NM_001413022.1, NM_001413023.1, NM_001413037.1 and 3 more transcripts); c.-716G>C (NM_001413024.1, NM_001413035.1); c.124G>C, p.Ala42Pro (NM_001413025.1); c.-881G>C (NM_001413027.1, NM_001413030.1, NM_001413031.1 and 1 more transcripts); c.-544G>C (NM_001413028.1); c.-778G>C (NM_001413032.1); and 2 more; short protein forms A42P, A85P.
Identifiers: ClinVar variation 5028098 (VCV005028098.1).